The following is an entry in ClinVar:

ClinVar aggregate classification (germline): Uncertain significance (1 of 4 stars; one submission).

Allele frequency attached by ClinVar (database versions not stated): gnomAD 0.00001; gnomAD exomes 0.00001; TOPMed 0.00002.
gnomAD v4.1: 10 of 1,604,302 alleles (0.00062%); highest among the groups gnomAD compares: Non-Finnish European, 0.00076%; no homozygotes.

Submission:

Labcorp Genetics (formerly Invitae), Labcorp
Classification: Uncertain significance. Last evaluated: 2022-07-12. Review status: criteria provided, single submitter. Criteria: Invitae Variant Classification Sherloc (09022015). Collection method: clinical testing. Allele origin: germline.
Comment: In summary, the available evidence is currently insufficient to determine the role of this variant in disease. Therefore, it has been classified as a Variant of Uncertain Significance. Algorithms developed to predict the effect of missense changes on protein structure and function are either unavailable or do not agree on the potential impact of this missense change (SIFT: "Deleterious"; PolyPhen-2: "Benign"; Align-GVGD: "Class C65"). ClinVar contains an entry for this variant (Variation ID: 1482778). This variant has not been reported in the literature in individuals affected with ZNF513-related conditions. This variant is present in population databases (no rsID available, gnomAD 0.002%). This sequence change replaces tryptophan, which is neutral and slightly polar, with glycine, which is neutral and non-polar, at codon 314 of the ZNF513 protein (p.Trp314Gly).

NM_144631.6(ZNF513):c.940T>G (p.Trp314Gly)

Gene: ZNF513 (zinc finger protein 513; minus strand). Cytogenetic location: 2p23.3.
Variant type: single nucleotide variant.
Coding change: c.940T>G on transcript NM_144631.6 (MANE Select); coding-DNA position 940, T replaced by G.
Protein change: p.Trp314Gly; replaces tryptophan 314 with glycine.
Molecular consequence: missense variant.
Genome position (GRCh38, 1-based): chr2:27,378,231, A>C on the plus strand (T>G on the coding strand, the complement: ZNF513 is on the minus strand). VCF-style: chr2-27378231-A-C. GRCh37 (hg19) VCF-style: chr2-27601098-A-C.
Other names: c.754T>G, p.Trp252Gly (NM_001201459.2); short protein forms W252G, W314G.
Identifiers: ClinVar variation 1482778 (VCV001482778.8), dbSNP rs944918758, ClinGen allele CA44528607.
Genomic context (GRCh38, chr2:27,378,231, plus strand): 5'-CAGCTCCCAGCCGACTACCCTCACCCTCCTCCAGCTCTTGTCCACAGCCCCGGCAGGTCC[A>C]AGGGAATAGCAGCTCTGGCAGTGGTTCTGATCCAGTCCCGCAGAGGCCCTCCCCTTCACC-3'
Protein context (NP_653232.3, residues 304-324): SEPLPELLFP[Trp314Gly]TCRGCGQELE